The following is an entry in ClinVar:

NM_006267.5(RANBP2):c.9033T>C (p.Ala3011=)

Gene: RANBP2 (RAN binding protein 2; plus strand). Cytogenetic location: 2q13.
Variant type: single nucleotide variant.
Coding change: c.9033T>C on transcript NM_006267.5 (MANE Select); coding-DNA position 9033, T replaced by C.
Protein change: p.Ala3011=; no amino-acid change (alanine 3011 retained).
Molecular consequence: synonymous variant.
Genome position (GRCh38, 1-based): chr2:108,782,400, T>C. VCF-style: chr2-108782400-T-C. GRCh37 (hg19) VCF-style: chr2-109398856-T-C.
Identifiers: ClinVar variation 1004969 (VCV001004969.7), dbSNP rs1463897413, ClinGen allele CA428203651.
Genomic context (GRCh38, chr2:108,782,400, plus strand): 5'-GGAATTAAAGCCCTTAAATGTTTCAAATAATGCTTTAGTTTGGACTGCCTCAGATTATGC[T>C]GGTGAGTTTTTACATTCAAATGCTACTTTTCATTTTTTGGACTTTTCTAAAATCTATAAC-3'
Protein context (NP_006258.3, residues 3001-3021): NALVWTASDY[Ala3011=]DGEAKVEQLA

ClinVar aggregate classification (germline): Uncertain significance (1 of 4 stars; one submission).

Conditions:
Familial acute necrotizing encephalopathy (IIAE3). Also called: ENCEPHALOPATHY, ACUTE, INFECTION-INDUCED, SUSCEPTIBILITY TO, 3; Susceptibility to Acute Necrotizing Encephalopathy 1. Identifiers: Orphanet 88619, MedGen C2675556, MONDO:0011953, OMIM 608033.

Allele frequency attached by ClinVar (database versions not stated): gnomAD exomes 0.00001.
gnomAD v4.1: 5 of 1,613,964 alleles (0.00031%); highest among the groups gnomAD compares: Non-Finnish European, 0.00034%; no homozygotes.

Submission:

Labcorp Genetics (formerly Invitae), Labcorp
Classification: Uncertain significance for Familial acute necrotizing encephalopathy. Last evaluated: 2021-11-05. Review status: criteria provided, single submitter. Criteria: Invitae Variant Classification Sherloc (09022015). Collection method: clinical testing. Allele origin: germline.
Comment: This sequence change affects codon 3011 of the RANBP2 mRNA. It is a 'silent' change, meaning that it does not change the encoded amino acid sequence of the RANBP2 protein. It affects a nucleotide within the consensus splice site. This variant is present in population databases (no rsID available, gnomAD 0.002%). This variant has not been reported in the literature in individuals affected with RANBP2-related conditions. ClinVar contains an entry for this variant (Variation ID: 1004969). Algorithms developed to predict the effect of sequence changes on RNA splicing suggest that this variant is not likely to affect RNA splicing. In summary, the available evidence is currently insufficient to determine the role of this variant in disease. Therefore, it has been classified as a Variant of Uncertain Significance.